The following is an entry in ClinVar:

NM_001243279.3(ACSF3):c.1632C>A (p.Tyr544Ter)

Gene: ACSF3 (acyl-CoA synthetase family member 3; plus strand). Cytogenetic location: 16q24.3.
Variant type: single nucleotide variant.
Coding change: c.1632C>A on transcript NM_001243279.3 (MANE Select); coding-DNA position 1632, C replaced by A.
Protein change: p.Tyr544Ter; replaces tyrosine 544 with a stop codon.
Molecular consequence: nonsense. On other transcripts: non-coding transcript variant (4).
Genome position (GRCh38, 1-based): chr16:89,154,108, C>A. VCF-style: chr16-89154108-C-A. GRCh37 (hg19) VCF-style: chr16-89220516-C-A.
Other names: c.1632C>A, p.Tyr544Ter (NM_001127214.4, NM_174917.5); c.837C>A, p.Tyr279Ter (NM_001284316.2); short protein forms Y279*, Y544*.
Identifiers: ClinVar variation 1994991 (VCV001994991.4), dbSNP rs757338614, ClinGen allele CA397150430.

ClinVar aggregate classification (germline): Pathogenic (1 of 4 stars; one submission).

Conditions:
Combined malonic and methylmalonic acidemia. Identifiers: Orphanet 289504, MedGen C3280314, MONDO:0013661, OMIM 614265.

Submission:

Labcorp Genetics (formerly Invitae), Labcorp
Classification: Pathogenic for Combined malonic and methylmalonic acidemia. Last evaluated: 2022-05-15. Review status: criteria provided, single submitter. Criteria: Invitae Variant Classification Sherloc (09022015). Collection method: clinical testing. Allele origin: germline.
Comment: For these reasons, this variant has been classified as Pathogenic. This variant disrupts a region of the ACSF3 protein in which other variant(s) (p.Arg558Trp) have been determined to be pathogenic (PMID: 21841779, 26827111; Invitae). This suggests that this is a clinically significant region of the protein, and that variants that disrupt it are likely to be disease-causing. This variant has not been reported in the literature in individuals affected with ACSF3-related conditions. This variant is not present in population databases (gnomAD no frequency). This sequence change creates a premature translational stop signal (p.Tyr544*) in the ACSF3 gene. While this is not anticipated to result in nonsense mediated decay, it is expected to disrupt the last 33 amino acid(s) of the ACSF3 protein.

Literature cited by the submitters: PubMed 21841779; PubMed 26827111.